The following is an entry in ClinVar:

ClinVar aggregate classification (germline): Uncertain significance (1 of 4 stars; one submission).

gnomAD v4.1: 1 of 1,614,080 alleles (0.000062%); highest among the groups gnomAD compares: Non-Finnish European, 0.000085%; no homozygotes.

Submission:

Labcorp Genetics (formerly Invitae), Labcorp
Classification: Uncertain significance. Last evaluated: 2023-01-26. Review status: criteria provided, single submitter. Criteria: Invitae Variant Classification Sherloc (09022015). Collection method: clinical testing. Allele origin: germline.
Comment: This sequence change replaces serine, which is neutral and polar, with tyrosine, which is neutral and polar, at codon 155 of the MSH3 protein (p.Ser155Tyr). This variant is not present in population databases (gnomAD no frequency). This variant has not been reported in the literature in individuals affected with MSH3-related conditions. ClinVar contains an entry for this variant (Variation ID: 650565). Algorithms developed to predict the effect of missense changes on protein structure and function (SIFT, PolyPhen-2, Align-GVGD) all suggest that this variant is likely to be tolerated. In summary, the available evidence is currently insufficient to determine the role of this variant in disease. Therefore, it has been classified as a Variant of Uncertain Significance.

NM_002439.5(MSH3):c.464C>A (p.Ser155Tyr)

Gene: MSH3 (mutS homolog 3; plus strand). Cytogenetic location: 5q14.1.
Variant type: single nucleotide variant.
Coding change: c.464C>A on transcript NM_002439.5 (MANE Select); coding-DNA position 464, C replaced by A.
Protein change: p.Ser155Tyr; replaces serine 155 with tyrosine.
Molecular consequence: missense variant.
Genome position (GRCh38, 1-based): chr5:80,665,248, C>A. VCF-style: chr5-80665248-C-A. GRCh37 (hg19) VCF-style: chr5-79961067-C-A.
Other names: short protein forms S155Y.
Identifiers: ClinVar variation 650565 (VCV000650565.8), dbSNP rs1580546664, ClinGen allele CA360263596.